The following is an entry in ClinVar:

ClinVar aggregate classification (germline): Uncertain significance. Review status: criteria provided, multiple submitters, no conflicts (2 of 4 stars). 3 submissions from 3 submitters: Uncertain significance (3). Last evaluated 2025-08-19.

Conditions:
Familial melanoma. Also called: Hereditary melanoma; Hereditary cutaneous melanoma. Identifiers: Orphanet 618, MedGen C1512419, MONDO:0018961.
Hereditary cancer-predisposing syndrome. Also called: Tumor predisposition; Hereditary Cancer Syndrome; Neoplastic Syndromes, Hereditary; Hereditary neoplastic syndrome. Identifiers: Orphanet 140162, MedGen C0027672, MeSH D009386, MONDO:0015356.

Submissions (3):

Ambry Genetics
Classification: Uncertain significance for Hereditary cancer-predisposing syndrome. Last evaluated: 2025-08-19. Review status: criteria provided, single submitter. Criteria: Ambry Variant Classification Scheme 2023. Collection method: clinical testing. Allele origin: germline.
Comment: The p.T18M variant (also known as c.53C>T), located in coding exon 1 of the CDKN2A gene, results from a C to T substitution at nucleotide position 53. The threonine at codon 18 is replaced by methionine, an amino acid with similar properties. This amino acid position is not well conserved in available vertebrate species. In addition, this alteration is predicted to be tolerated by in silico analysis. Based on the available evidence, the clinical significance of this variant remains unclear.

Labcorp Genetics (formerly Invitae), Labcorp
Classification: Uncertain significance for Familial melanoma. Last evaluated: 2025-04-13. Review status: criteria provided, single submitter. Criteria: Invitae Variant Classification Sherloc (09022015). Collection method: clinical testing. Allele origin: germline.
Comment: This sequence change replaces threonine, which is neutral and polar, with methionine, which is neutral and non-polar, at codon 18 of the CDKN2A (p16INK4a) protein (p.Thr18Met). This variant is not present in population databases (gnomAD no frequency). This variant has not been reported in the literature in individuals affected with CDKN2A (p16INK4a)-related conditions. ClinVar contains an entry for this variant (Variation ID: 485513). An algorithm developed to predict the effect of missense changes on protein structure and function (PolyPhen-2) suggests that this variant is likely to be disruptive. In summary, the available evidence is currently insufficient to determine the role of this variant in disease. Therefore, it has been classified as a Variant of Uncertain Significance.

Color Diagnostics, LLC DBA Color Health
Classification: Uncertain significance for Hereditary cancer-predisposing syndrome. Last evaluated: 2018-12-11. Review status: criteria provided, single submitter. Criteria: ACMG Guidelines, 2015. Collection method: clinical testing. Allele origin: germline.

NM_000077.5(CDKN2A):c.53C>T (p.Thr18Met)

Gene: CDKN2A (cyclin dependent kinase inhibitor 2A; minus strand). Cytogenetic location: 9p21.3.
Variant type: single nucleotide variant.
Coding change: c.53C>T on transcript NM_000077.5; coding-DNA position 53, C replaced by T.
Protein change: p.Thr18Met; replaces threonine 18 with methionine.
Molecular consequence: missense variant (on NM_000077.6). On other transcripts: intron variant (2).
Genome position (GRCh38, 1-based): chr9:21,974,775, G>A on the plus strand (C>T on the coding strand, the complement: CDKN2A is on the minus strand). VCF-style: chr9-21974775-G-A. GRCh37 (hg19) VCF-style: chr9-21974774-G-A.
Other names: c.53C>T, p.Thr18Met (NM_000077.6, NM_001195132.2, NM_058197.5); c.-3-3567C>T (NM_001363763.2); c.194-3567C>T (NM_058195.4); short protein forms T18M.
Identifiers: ClinVar variation 485513 (VCV000485513.17), dbSNP rs560518923, ClinGen allele CA373086644.